The following is an entry in ClinVar:

NM_024426.6(WT1):c.1295A>T (p.Asp432Val)

Gene: WT1 (WT1 transcription factor; minus strand). Cytogenetic location: 11p13.
Variant type: single nucleotide variant.
Coding change: c.1295A>T on transcript NM_024426.6 (MANE Select); coding-DNA position 1295, A replaced by T.
Protein change: p.Asp432Val; replaces aspartic acid 432 with valine.
Molecular consequence: missense variant. On other transcripts: non-coding transcript variant (2), intron variant (1).
Genome position (GRCh38, 1-based): chr11:32,392,725, T>A on the plus strand (A>T on the coding strand, the complement: WT1 is on the minus strand). VCF-style: chr11-32392725-T-A. GRCh37 (hg19) VCF-style: chr11-32414271-T-A.
Other names: c.1244A>T, p.Asp415Val (NM_000378.6, NM_001407045.1, NM_001407049.1); c.644A>T, p.Asp215Val (NM_001198551.2); c.593A>T, p.Asp198Val (NM_001198552.2); c.107A>T, p.Asp36Val (NM_001367854.1); c.1289A>T, p.Asp430Val (NM_001407044.1); c.1295A>T, p.Asp432Val (NM_001407046.1, NM_024424.5); c.1172A>T, p.Asp391Val (NM_001407047.1); c.1121A>T, p.Asp374Val (NM_001407050.1); and 4 more; short protein forms D178V, D198V, D215V, D342V, D359V, D36V, D374V, D391V.
Identifiers: ClinVar variation 3390105 (VCV003390105.14).
Genomic context (GRCh38, chr11:32,392,725, plus strand): 5'-CCTGTATGTCTCCTTTGGTGTCTTTTGAGCTGGTCTGAACGAGAAAACCTTCGTTCACAG[T>A]CCTTGAAGTCACACTGGTATGGTTTCTCACCTTGGGGAAGACACATATTCTATTTGAAAA-3'
Protein context (NP_077744.4, residues 422-442): GEKPYQCDFK[Asp432Val]CERRFSRSDQ

ClinVar aggregate classification (germline): Uncertain significance (1 of 4 stars; one submission).

Submission:

CeGaT Center for Human Genetics Tuebingen
Classification: Uncertain significance. Last evaluated: 2024-11-01. Review status: criteria provided, single submitter. Criteria: CeGaT Center For Human Genetics Tuebingen Variant Classification Criteria Version 2. Collection method: clinical testing. Allele origin: germline. Affected: yes. Observed: 1 variant allele.
Comment: WT1: PM2